The following is an entry in ClinVar:

NM_001365536.1(SCN9A):c.5456A>T (p.Asn1819Ile)

Genes: SCN9A (sodium voltage-gated channel alpha subunit 9; minus strand), SCN1A-AS1 (SCN1A and SCN9A antisense RNA 1; plus strand). Cytogenetic location: 2q24.3.
Variant type: single nucleotide variant.
Coding change: c.5456A>T on transcript NM_001365536.1 (MANE Select); coding-DNA position 5456, A replaced by T.
Protein change: p.Asn1819Ile; replaces asparagine 1819 with isoleucine.
Molecular consequence: missense variant.
Genome position (GRCh38, 1-based): chr2:166,199,183, T>A on the plus strand (A>T on the coding strand, the complement: SCN9A is on the minus strand). VCF-style: chr2-166199183-T-A. GRCh37 (hg19) VCF-style: chr2-167055693-T-A.
Other names: c.5423A>T, p.Asn1808Ile (NM_002977.4); short protein forms N1808I, N1819I.
Identifiers: ClinVar variation 940901 (VCV000940901.10), dbSNP rs778928947, ClinGen allele CA59783542.
Genomic context (GRCh38, chr2:166,199,183, plus strand): 5'-AGACAATGGATCCGGTCACCACTAACCATGGGCAGATCCATGGCAATGAGCTGGACTTTG[T>A]TGGGTTTTGCTATGAGAAGAGGAGGATCCAGGGCAGCTGCAAAATCAGAGAGTTTAGAGA-3'
Protein context (NP_001352465.1, residues 1809-1829): LDPPLLIAKP[Asn1819Ile]KVQLIAMDLP

ClinVar aggregate classification (germline): Uncertain significance (1 of 4 stars; one submission).

Conditions:
Generalized epilepsy with febrile seizures plus, type 7 (GEFSP7). Also called: GEFS+, TYPE 7. Identifiers: Orphanet 36387, MedGen C2751778, MONDO:0013470, OMIM 613863.
Neuropathy, hereditary sensory and autonomic, type 2A (HSAN2A). Also called: HSAN IIA; MORVAN DISEASE; NEUROPATHY, CONGENITAL SENSORY; NEUROPATHY, HEREDITARY SENSORY RADICULAR, AUTOSOMAL RECESSIVE; NEUROPATHY, HEREDITARY SENSORY, TYPE IIA; NEUROPATHY, PROGRESSIVE SENSORY, OF CHILDREN. Identifiers: Orphanet 970, MedGen C2752089, MONDO:0024309, OMIM 201300.

gnomAD v4.1: 1 of 1,614,192 alleles (0.000062%); highest among the groups gnomAD compares: Non-Finnish European, 0.000085%; no homozygotes.

Submission:

Labcorp Genetics (formerly Invitae), Labcorp
Classification: Uncertain significance for Neuropathy, hereditary sensory and autonomic, type 2A; Generalized epilepsy with febrile seizures plus, type 7. Last evaluated: 2019-09-19. Review status: criteria provided, single submitter. Criteria: Invitae Variant Classification Sherloc (09022015). Collection method: clinical testing. Allele origin: germline.
Comment: In summary, the available evidence is currently insufficient to determine the role of this variant in disease. Therefore, it has been classified as a Variant of Uncertain Significance. Algorithms developed to predict the effect of missense changes on protein structure and function (SIFT, PolyPhen-2, Align-GVGD) all suggest that this variant is likely to be disruptive, but these predictions have not been confirmed by published functional studies and their clinical significance is uncertain. This variant has not been reported in the literature in individuals with SCN9A-related conditions. This variant is not present in population databases (ExAC no frequency). This sequence change replaces asparagine with isoleucine at codon 1808 of the SCN9A protein (p.Asn1808Ile). The asparagine residue is highly conserved and there is a large physicochemical difference between asparagine and isoleucine.